The following is an entry in ClinVar:

NM_015001.3(SPEN):c.3508C>T (p.Arg1170Ter)

Gene: SPEN (spen family transcriptional repressor; plus strand). Cytogenetic location: 1p36.13.
Variant type: single nucleotide variant.
Coding change: c.3508C>T on transcript NM_015001.3 (MANE Select); coding-DNA position 3508, C replaced by T.
Protein change: p.Arg1170Ter; replaces arginine 1170 with a stop codon.
Molecular consequence: nonsense.
Genome position (GRCh38, 1-based): chr1:15,929,748, C>T. VCF-style: chr1-15929748-C-T. GRCh37 (hg19) VCF-style: chr1-16256243-C-T.
Other names: short protein forms R1170*.
Identifiers: ClinVar variation 992606 (VCV000992606.4), dbSNP rs2071203144, ClinGen allele CA338608291.

ClinVar aggregate classification (germline): Pathogenic. Review status: criteria provided, multiple submitters, no conflicts (2 of 4 stars). 3 submissions from 3 submitters: Pathogenic (3). Last evaluated 2025-08-21.

Conditions:
Radio-Tartaglia syndrome. Identifiers: Orphanet 662234, MedGen C5543339, MONDO:0859143, OMIM 619312.

Submissions (3):

Variantyx, Inc.
Classification: Pathogenic for Radio-Tartaglia syndrome. Last evaluated: 2025-08-21. Review status: criteria provided, single submitter. Criteria: Variantyx Assertion Criteria 2022. Collection method: clinical testing. Allele origin: germline. Inheritance: Autosomal dominant inheritance. Affected: yes.
Comment: This is a nonsense variant in the SPEN gene (OMIM: 613484). Pathogenic variants in this gene have been associated with autosomal dominant Radio Tartaglia syndrome. This variant is reported as likely de novo in individual(s) reported in the published literature; however, the possibility of parental germline mosaicism cannot be excluded (PMID: 35328054, 33596411) (PS2). This variant introduces a premature termination codon in exon 11 out of 15. It is expected to result in loss of function, which is a known disease mechanism for SPEN in this disorder (PMID: 33596411) (PVS1). This variant is absent from control populations (PM2). Based on the current evidence, this variant is classified as pathogenic for autosomal dominant Radio Tartaglia syndrome.

GeneDx
Classification: Pathogenic. Last evaluated: 2023-04-24. Review status: criteria provided, single submitter. Criteria: GeneDx Variant Classification Process June 2021. Collection method: clinical testing. Allele origin: germline. Affected: yes.
Comment: Nonsense variant predicted to result in protein truncation or nonsense mediated decay in a gene for which loss-of-function is a known mechanism of disease; Not observed at significant frequency in large population cohorts (gnomAD); This variant is associated with the following publications: (PMID: 33596411, 35328054)

Tartaglia Lab, Genetics and Rare Diseases Research Division, Bambino Gesu' Children's Hospital
Classification: Pathogenic. Last evaluated: 2020-12-03. Review status: criteria provided, single submitter. Criteria: ACMG Guidelines, 2015. Collection method: research. Allele origin: de novo. Affected: yes. Observed: 1 variant allele.

Literature cited by the submitters: PubMed 33596411 (cited by Variantyx, Inc.); PubMed 35328054 (cited by Variantyx, Inc.).